The following is an entry in ClinVar:

NM_006158.5(NEFL):c.1441_1443del (p.Lys481del)

Gene: NEFL (neurofilament light chain; minus strand). Cytogenetic location: 8p21.2.
Variant type: Deletion.
Coding change: c.1441_1443del on transcript NM_006158.5 (MANE Select); coding-DNA positions 1441 to 1443, 3 bases deleted (AAG; older notation c.1441_1443delAAG).
Protein change: p.Lys481del; deletes lysine 481.
Molecular consequence: inframe deletion.
Genome position (GRCh38, 1-based): chr8:24,953,522-24,953,524, CTT deleted on the plus strand (AAG on the coding strand, the reverse complement: NEFL is on the minus strand); deleting any 3 consecutive bases within chr8:24,953,522-24,953,526 gives the same sequence; the c. name uses the placement nearest the transcript's 3' end. VCF-style (leftmost placement, unchanged base first): chr8-24953521-CCTT-C. GRCh37 (hg19) VCF-style: chr8-24811034-CCTT-C.
Other names: short protein forms K481del.
Identifiers: ClinVar variation 1384620 (VCV001384620.8), dbSNP rs756788675, ClinGen allele CA4681273.

ClinVar aggregate classification (germline): Uncertain significance. Review status: criteria provided, multiple submitters, no conflicts (2 of 4 stars). 2 submissions from 2 submitters: Uncertain significance (2). Last evaluated 2025-10-13.

Conditions:
Inborn genetic diseases. Identifiers: MedGen C0950123, MeSH D030342.
Charcot-Marie-Tooth disease type 2E (CMT2E). Also called: CHARCOT-MARIE-TOOTH NEUROPATHY, TYPE 2E; CHARCOT-MARIE-TOOTH DISEASE, AXONAL, TYPE 2E. Identifiers: Orphanet 99939, MedGen C1843225, MONDO:0011894, OMIM 607684.

Submissions (2):

Labcorp Genetics (formerly Invitae), Labcorp
Classification: Uncertain significance for Charcot-Marie-Tooth disease type 2E. Last evaluated: 2025-10-13. Review status: criteria provided, single submitter. Criteria: Invitae Variant Classification Sherloc (09022015). Collection method: clinical testing. Allele origin: germline.
Comment: This variant, c.1441_1443del, results in the deletion of 1 amino acid(s) of the NEFL protein (p.Lys481del), but otherwise preserves the integrity of the reading frame. This variant is present in population databases (rs756788675, gnomAD 0.05%). This variant has not been reported in the literature in individuals affected with NEFL-related conditions. ClinVar contains an entry for this variant (Variation ID: 1384620). Experimental studies and prediction algorithms are not available or were not evaluated, and the functional significance of this variant is currently unknown. In summary, the available evidence is currently insufficient to determine the role of this variant in disease. Therefore, it has been classified as a Variant of Uncertain Significance.

Ambry Genetics
Classification: Uncertain significance for Inborn genetic diseases. Last evaluated: 2021-09-08. Review status: criteria provided, single submitter. Criteria: Ambry Variant Classification Scheme 2023. Collection method: clinical testing. Allele origin: germline.
Comment: The c.1441_1443delAAG variant (also known as p.K481del) is located in coding exon 3 of the NEFL gene. This variant results from an in-frame AAG deletion at nucleotide positions 1441 to 1443. This results in the in-frame deletion of a lysine at codon 481. This amino acid position is not well conserved in available vertebrate species. In addition, this alteration is predicted to be neutral by in silico analysis (Choi Y et al. PLoS ONE. 2012; 7(10):e46688). Based on the supporting evidence, this variant is unlikely to be causative of autosomal dominant Charcot-Marie-Tooth (CMT) disease type 1F/2E; however, its contribution to the development of autosomal recessive NEFL-related CMT is uncertain.